The following is an entry in ClinVar:

NM_020778.5(ALPK3):c.305-18C>A

Gene: ALPK3 (alpha kinase 3; plus strand). Cytogenetic location: 15q25.3.
Variant type: single nucleotide variant.
Coding change: c.305-18C>A on transcript NM_020778.5 (MANE Select); 18 bases into the intron before coding-DNA position 305, C replaced by A.
Molecular consequence: intron variant.
Genome position (GRCh38, 1-based): chr15:84,838,962, C>A. VCF-style: chr15-84838962-C-A. GRCh37 (hg19) VCF-style: chr15-85382193-C-A.
Identifiers: ClinVar variation 379361 (VCV000379361.16), dbSNP rs1896864, ClinGen allele CA7708934.

ClinVar aggregate classification (germline): Benign. Review status: criteria provided, multiple submitters, no conflicts (2 of 4 stars). 7 submissions from 7 submitters: Benign (5). 2 of the submissions do not count toward it. Last evaluated 2026-02-04.

Allele frequency attached by ClinVar (database versions not stated): ESP Exome Variant Server 0.65918; ExAC 0.67080; TOPMed 0.67341; 1000 Genomes Project 30x 0.71939; 1000 Genomes Project 0.72584.
gnomAD v4.1: 1,052,286 of 1,608,924 alleles (65%); highest among the groups gnomAD compares: East Asian, 92%; 346,751 homozygotes.

Submissions (7):

Labcorp Genetics (formerly Invitae), Labcorp
Classification: Benign. Last evaluated: 2026-02-04. Review status: criteria provided, single submitter. Criteria: Invitae Variant Classification Sherloc (09022015). Collection method: clinical testing. Allele origin: germline.

Blueprint Genetics
Classification: Benign. Last evaluated: 2024-11-27. Review status: criteria provided, single submitter. Criteria: ACMG Guidelines, 2015. Collection method: clinical testing. Allele origin: germline.

Women's Health and Genetics/Laboratory Corporation of America, LabCorp
Classification: Benign. Last evaluated: 2023-04-04. Review status: criteria provided, single submitter. Criteria: LabCorp Variant Classification Summary - May 2015. Collection method: clinical testing. Allele origin: germline.

GeneDx
Classification: Benign. Last evaluated: 2016-09-09. Review status: criteria provided, single submitter. Criteria: GeneDx Variant Classification (06012015). Collection method: clinical testing. Allele origin: germline. Affected: yes.
Comment: This variant is considered likely benign or benign based on one or more of the following criteria: it is a conservative change, it occurs at a poorly conserved position in the protein, it is predicted to be benign by multiple in silico algorithms, and/or has population frequency not consistent with disease.

Breakthrough Genomics
Classification: Benign. Review status: criteria provided, single submitter. Criteria: ACMG Guidelines, 2015. Collection method: not provided. Allele origin: germline. Inheritance: Autosomal recessive inheritance. Affected: yes.

Clinical Genetics DNA and cytogenetics Diagnostics Lab, Erasmus MC, Erasmus Medical Center
Classification: Benign. Review status: no assertion criteria provided. Collection method: clinical testing. Allele origin: germline. Affected: yes. Study: VKGL Data-share Consensus. Not counted in ClinVar's aggregate classification.

Clinical Genetics, Academic Medical Center
Classification: Benign. Review status: no assertion criteria provided. Collection method: clinical testing. Allele origin: germline. Affected: yes. Study: VKGL Data-share Consensus. Not counted in ClinVar's aggregate classification.